The following is an entry in ClinVar:

ClinVar aggregate classification (germline): Uncertain significance. Review status: criteria provided, multiple submitters, no conflicts (2 of 4 stars). 3 submissions from 3 submitters: Uncertain significance (3). Last evaluated 2026-08-07.

Conditions:
NEFH-related disorder. Also called: NEFH-related condition.
Charcot-Marie-Tooth disease axonal type 2CC. Also called: CHARCOT-MARIE-TOOTH NEUROPATHY, TYPE 2CC. Identifiers: MedGen C4310790, MONDO:0014836, OMIM 616924.
Amyotrophic lateral sclerosis type 1 (ALS1). Also called: AMYOTROPHIC LATERAL SCLEROSIS 1, FAMILIAL. Identifiers: Orphanet 803, MedGen C1862939, MONDO:0007103, OMIM 105400.

Allele frequency attached by ClinVar (database versions not stated): gnomAD exomes 0.00002 and 0.00003; ExAC 0.00004.
gnomAD v4.1: 38 of 1,614,120 alleles (0.0024%); highest among the groups gnomAD compares: Middle Eastern, 0.033%; no homozygotes.

Submissions (3):

PreventionGenetics, part of Exact Sciences
Classification: Uncertain significance for NEFH-related condition. Last evaluated: 2026-08-07. Review status: criteria provided, single submitter. Criteria: ACMG Guidelines, 2015. Collection method: clinical testing. Allele origin: germline.
Comment: The NEFH c.1346A>G variant is predicted to result in the amino acid substitution p.Lys449Arg. To our knowledge, this variant has not been reported in the literature. This variant is reported in 0.0062% of alleles in individuals of European (non-Finnish) descent in gnomAD. At this time, the clinical significance of this variant is uncertain due to the absence of conclusive functional and genetic evidence.

Clinical Genomics Laboratory, Washington University in St. Louis
Classification: Uncertain significance for Charcot-Marie-Tooth disease axonal type 2CC; Amyotrophic lateral sclerosis type 1. Last evaluated: 2025-05-20. Review status: criteria provided, single submitter. Criteria: ACMG Guidelines, 2015. Collection method: clinical testing. Allele origin: germline.
Comment: The NEFH c.1346A>G (p.Lys449Arg) variant, to our knowledge, has not been reported in the medical literature. This variant has been reported in the ClinVar database as a germline variant of uncertain significance by one submitter. This variant is only observed on 38/1,614,120 alleles in the general population (gnomAD 4.1.0), indicating it is not a common variant. Computational predictors are uncertain as to the impact of this variant on NEFH function. Due to limited information, and based on ACMG/AMP guidelines for variant interpretation (Richards S et al., PMID: 25741868), the clinical significance of this variant is uncertain at this time.

Labcorp Genetics (formerly Invitae), Labcorp
Classification: Uncertain significance. Last evaluated: 2024-11-21. Review status: criteria provided, single submitter. Criteria: Invitae Variant Classification Sherloc (09022015). Collection method: clinical testing. Allele origin: germline.
Comment: This sequence change replaces lysine, which is basic and polar, with arginine, which is basic and polar, at codon 449 of the NEFH protein (p.Lys449Arg). This variant is present in population databases (rs770293523, gnomAD 0.006%). This variant has not been reported in the literature in individuals affected with NEFH-related conditions. ClinVar contains an entry for this variant (Variation ID: 1350059). Invitae Evidence Modeling of protein sequence and biophysical properties (such as structural, functional, and spatial information, amino acid conservation, physicochemical variation, residue mobility, and thermodynamic stability) indicates that this missense variant is not expected to disrupt NEFH protein function with a negative predictive value of 95%. In summary, the available evidence is currently insufficient to determine the role of this variant in disease. Therefore, it has been classified as a Variant of Uncertain Significance.

NM_021076.4(NEFH):c.1346A>G (p.Lys449Arg)

Gene: NEFH (neurofilament heavy chain; plus strand). Cytogenetic location: 22q12.2.
Variant type: single nucleotide variant.
Coding change: c.1346A>G on transcript NM_021076.4 (MANE Select); coding-DNA position 1346, A replaced by G.
Protein change: p.Lys449Arg; replaces lysine 449 with arginine.
Molecular consequence: missense variant.
Genome position (GRCh38, 1-based): chr22:29,488,986, A>G. VCF-style: chr22-29488986-A-G. GRCh37 (hg19) VCF-style: chr22-29884975-A-G.
Other names: c.1346A>G (NM_021076.3); short protein forms K449R.
Identifiers: ClinVar variation 1350059 (VCV001350059.8), dbSNP rs770293523, ClinGen allele CA10174191.